The following is an entry in ClinVar:

ClinVar aggregate classification (germline): Uncertain significance (1 of 4 stars; one submission).

Conditions:
Long QT syndrome (LQTS). Identifiers: MedGen C0023976, MeSH D008133, MONDO:0002442. Disease mechanism: loss of function. Inheritance: Various modes of inheritance.

Submission:

Labcorp Genetics (formerly Invitae), Labcorp
Classification: Uncertain significance for Long QT syndrome. Last evaluated: 2022-03-26. Review status: criteria provided, single submitter. Criteria: Invitae Variant Classification Sherloc (09022015). Collection method: clinical testing. Allele origin: germline.
Comment: This variant has not been reported in the literature in individuals affected with AKAP9-related conditions. This variant is not present in population databases (gnomAD no frequency). This variant, c.5663_5665del, results in the deletion of 1 amino acid(s) of the AKAP9 protein (p.Glu1888del), but otherwise preserves the integrity of the reading frame. Experimental studies and prediction algorithms are not available or were not evaluated, and the functional significance of this variant is currently unknown. In summary, the available evidence is currently insufficient to determine the role of this variant in disease. Therefore, it has been classified as a Variant of Uncertain Significance.

NM_005751.5(AKAP9):c.5660AAG[1] (p.Glu1888del)

Gene: AKAP9 (A-kinase anchoring protein 9; plus strand). Cytogenetic location: 7q21.2.
Variant type: Microsatellite.
Coding change: c.5660AAG[1] on transcript NM_005751.5 (MANE Select); one copy of the 3-base unit AAG starting at c.5660; the reference has two copies in a row; one copy, 3 bases deleted.
Protein change: p.Glu1888del; deletes glutamic acid 1888.
Molecular consequence: inframe deletion.
Genome position (GRCh38, 1-based): chr7:92,061,321-92,061,323, AAG deleted; deleting any 3 consecutive bases within chr7:92,061,318-92,061,323 gives the same sequence; the position shown is the placement nearest the transcript's 3' end. VCF-style (leftmost placement, unchanged base first): chr7-92061317-CAAG-C. GRCh37 (hg19) VCF-style: chr7-91690631-CAAG-C.
Other names: c.305AAG[1], p.Glu103del (NM_001379277.1); c.5660AAG[1], p.Glu1888del (NM_147185.3); short protein forms E103del, E1888del.
Identifiers: ClinVar variation 1376083 (VCV001376083.6), dbSNP rs2130821380, ClinGen allele CA2580615916.
Genomic context (GRCh38, chr7:92,061,317, plus strand): 5'-TAGCTTGAACATGCGAAAGTGACACAGACAGAGTTGATGCGTGAGTCATTTAGACAGAAA[CAAG>C]AAGCAACAGAGTCCCTTAAGTGCCAAGAGGAACTTCGAGAGCGCCTTCATGAGGAGTCCA-3'